The following is an entry in ClinVar:

ClinVar aggregate classification (germline): Pathogenic/Likely pathogenic. Review status: criteria provided, multiple submitters, no conflicts (2 of 4 stars). 7 submissions from 7 submitters: Pathogenic (5); Likely pathogenic (1). 1 of the submissions does not count toward it. Last evaluated 2026-01-21.

Conditions:
DDX41-related hematologic malignancy predisposition syndrome. Also called: Myeloproliferative/lymphoproliferative neoplasms, familial (multiple types), susceptibility to; DDX41-Associated Familial Myelodysplastic Syndrome and Acute Myeloid Leukemia. Identifiers: Orphanet 488647, MedGen C4225174, MONDO:0014809, OMIM 616871.
Inborn genetic diseases. Identifiers: MedGen C0950123, MeSH D030342.
Acute myeloid leukemia (AML). Also called: Acute myeloid leukemia, adult; AML adult; Acute non-lymphocytic leukemia; Acute granulocytic leukemia; Leukemia, acute myelogenous, somatic; Leukemia, acute myeloid, somatic. Identifiers: Orphanet 519, MedGen C0023467, MeSH D015470, MONDO:0018874, OMIM 601626, HP:0004808. Disease mechanism: Constitutively activated FLT3.
DDX41-related disorders.

Allele frequency attached by ClinVar (database versions not stated): gnomAD exomes 0.00001; ExAC 0.00002; TOPMed 0.00002; gnomAD 0.00004 and 0.00005; ESP Exome Variant Server 0.00008.
gnomAD v4.1: 15 of 1,613,354 alleles (0.00093%); highest among the groups gnomAD compares: African/African-American, 0.013%; no homozygotes.

Submissions (7):

Labcorp Genetics (formerly Invitae), Labcorp
Classification: Pathogenic. Last evaluated: 2026-01-21. Review status: criteria provided, single submitter. Criteria: Invitae Variant Classification Sherloc (09022015). Collection method: clinical testing. Allele origin: germline.
Comment: This sequence change creates a premature translational stop signal (p.Gln48*) in the DDX41 gene. It is expected to result in an absent or disrupted protein product. Loss-of-function variants in DDX41 are known to be pathogenic (PMID: 26712909, 27133828). This variant is present in population databases (rs377745714, gnomAD 0.02%). This premature translational stop signal has been observed in individual(s) with clinical features of DDX41-related conditions (PMID: 30963592, 34482403). ClinVar contains an entry for this variant (Variation ID: 978209). For these reasons, this variant has been classified as Pathogenic.

Ambry Genetics
Classification: Likely pathogenic for Inborn genetic diseases. Last evaluated: 2025-05-06. Review status: criteria provided, single submitter. Criteria: Ambry Variant Classification Scheme 2023. Collection method: clinical testing. Allele origin: germline.
Comment: The p.Q48* variant (also known as c.142C>T), located in coding exon 3 of the DDX41 gene, results from a C to T substitution at nucleotide position 142. This changes the amino acid from a glutamine to a stop codon within coding exon 3. The predicted stop codon occurs in the 5&rsquo; end of theDDX41 gene. Premature termination codons in the 5&rsquo; end of a gene have been reported to escape nonsense-mediated mRNAdecay and/or lead to re-initiation (Rivas et al. Science. 2015 May 8;348(6235):666-9; Lindeboom et al. Nat Genet. 2016 Oct;48(10):1112-8; Rhee et al. Sci Rep. 2017 May 10;7(1):1653). Direct evidence for this alteration is unavailable, however premature termination codons are typically deleterious in nature. Based on the majority of available evidence to date, this variant is likely to be pathogenic.

Baylor Genetics
Classification: Pathogenic for DDX41-related hematologic malignancy predisposition syndrome. Last evaluated: 2024-02-26. Review status: criteria provided, single submitter. Criteria: ACMG Guidelines, 2015. Collection method: clinical testing. Allele origin: unknown.

Blueprint Genetics
Classification: Pathogenic for DDX41-related disorders. Last evaluated: 2023-05-16. Review status: criteria provided, single submitter. Criteria: ACMG Guidelines, 2015. Collection method: clinical testing. Allele origin: germline. Affected: yes. Observed: 2 variant alleles.

GeneDx
Classification: Pathogenic. Last evaluated: 2023-05-12. Review status: criteria provided, single submitter. Criteria: GeneDx Variant Classification Process June 2021. Collection method: clinical testing. Allele origin: germline. Affected: yes.
Comment: Nonsense variant predicted to result in protein truncation or nonsense mediated decay in a gene for which loss of function is a known mechanism of disease; Not observed at significant frequency in large population cohorts (gnomAD); This variant is associated with the following publications: (PMID: 30963592, 36672294)

Genetic Services Laboratory, University of Chicago
Classification: Pathogenic. Last evaluated: 2019-06-08. Review status: criteria provided, single submitter. Criteria: ACMG Guidelines, 2015. Collection method: clinical testing. Allele origin: germline. Affected: yes.
Comment: DNA sequence analysis of the DDX41 gene demonstrated a sequence change, c.142C>T, which results in the creation of a premature stop codon at amino acid position 48, p.Gln48*. The p.Gln48* sequence change has not been previously described in patients with DDX41-related disorders, and has been observed in the EXAC database with a low population frequency of 0.002%. This pathogenic sequence change is predicted to result in an abnormal transcript, which may be degraded, or may lead to the production of a truncated DDX41 protein with potentially abnormal function.

Bone Marrow Failure laboratory, Queen Mary University London
Classification: Likely pathogenic for Acute myeloid leukemia. Last evaluated: 2020-09-01. Review status: no assertion criteria provided. Collection method: research. Allele origin: unknown. Affected: yes. Not counted in ClinVar's aggregate classification.
Comment: The following ACMG/AMP criteria were used: PVS1, PP3

Literature cited by the submitters: PubMed 26712909 (cited by Labcorp Genetics (formerly Invitae), Labcorp); PubMed 27133828 (cited by Labcorp Genetics (formerly Invitae), Labcorp); PubMed 30963592 (cited by Labcorp Genetics (formerly Invitae), Labcorp); PubMed 34482403 (cited by Labcorp Genetics (formerly Invitae), Labcorp).

NM_016222.4(DDX41):c.142C>T (p.Gln48Ter)

Gene: DDX41 (DEAD-box helicase 41; minus strand). Cytogenetic location: 5q35.3.
Variant type: single nucleotide variant.
Coding change: c.142C>T on transcript NM_016222.4 (MANE Select); coding-DNA position 142, C replaced by T.
Protein change: p.Gln48Ter; replaces glutamine 48 with a stop codon.
Molecular consequence: nonsense. On other transcripts: 5 prime UTR variant (2).
Genome position (GRCh38, 1-based): chr5:177,516,444, G>A on the plus strand (C>T on the coding strand, the complement: DDX41 is on the minus strand). VCF-style: chr5-177516444-G-A. GRCh37 (hg19) VCF-style: chr5-176943445-G-A.
Other names: c.-237C>T (NM_001321732.2, NM_001321830.2); c.142C>T (NM_016222.2); short protein forms Q48*.
Identifiers: ClinVar variation 978209 (VCV000978209.13), dbSNP rs377745714, ClinGen allele CA3585315.
Genomic context (GRCh38, chr5:177,516,444, plus strand): 5'-TACCGCTGTCCTGCTGCTCTTCCTCCGCAGCTCCCTTGCGTCTTCGCTGCAGCAGCTTCT[G>A]GAGCTGAGGTTCCACCCGGGATCCACAGATAGGATGGGCATGGAGTCCACAAGGTCAGCG-3'